The following is an entry in ClinVar:

ClinVar aggregate classification (germline): Uncertain significance (1 of 4 stars; one submission).

Allele frequency attached by ClinVar (database versions not stated): TOPMed 0.00001; ExAC 0.00002; gnomAD 0.00001.
gnomAD v4.1: 12 of 1,613,700 alleles (0.00074%); highest among the groups gnomAD compares: Middle Eastern, 0.033%; no homozygotes.

Submission:

Labcorp Genetics (formerly Invitae), Labcorp
Classification: Uncertain significance. Last evaluated: 2024-07-26. Review status: criteria provided, single submitter. Criteria: Invitae Variant Classification Sherloc (09022015). Collection method: clinical testing. Allele origin: germline.
Comment: This sequence change replaces arginine, which is basic and polar, with tryptophan, which is neutral and slightly polar, at codon 845 of the EGF protein (p.Arg845Trp). This variant is present in population databases (rs752050535, gnomAD 0.006%). This variant has not been reported in the literature in individuals affected with EGF-related conditions. An algorithm developed to predict the effect of missense changes on protein structure and function outputs the following: PolyPhen-2: "Benign". The tryptophan amino acid residue is found in multiple mammalian species, which suggests that this missense change does not adversely affect protein function. Algorithms developed to predict the effect of sequence changes on RNA splicing suggest that this variant may disrupt the consensus splice site. In summary, the available evidence is currently insufficient to determine the role of this variant in disease. Therefore, it has been classified as a Variant of Uncertain Significance.

NM_001963.6(EGF):c.2533C>T (p.Arg845Trp)

Gene: EGF (epidermal growth factor; plus strand). Cytogenetic location: 4q25.
Variant type: single nucleotide variant.
Coding change: c.2533C>T on transcript NM_001963.6 (MANE Select); coding-DNA position 2533, C replaced by T.
Protein change: p.Arg845Trp; replaces arginine 845 with tryptophan.
Molecular consequence: missense variant. On other transcripts: intron variant (1).
Genome position (GRCh38, 1-based): chr4:109,987,785, C>T. VCF-style: chr4-109987785-C-T. GRCh37 (hg19) VCF-style: chr4-110908941-C-T.
Other names: c.2365+4244C>T (NM_001357021.2); c.2533C>T, p.Arg845Trp (NM_001178130.3); c.2407C>T, p.Arg803Trp (NM_001178131.3); short protein forms R803W, R845W.
Identifiers: ClinVar variation 3007173 (VCV003007173.3), dbSNP rs752050535, ClinGen allele CA3043996.
Genomic context (GRCh38, chr4:109,987,785, plus strand): 5'-GGATTCTTGCTATTTGTAGATCAAGATGACTGTGCTCCTGTGGGATGCAGCATGTATGCT[C>T]GGTGTATTTCAGAGGGAGAGGATGCCACATGTCAGTGTTTGAAAGGATTTGCTGGGGATG-3'
Protein context (NP_001954.2, residues 835-855): CAPVGCSMYA[Arg845Trp]CISEGEDATC